The following is an entry in ClinVar:

NM_004174.4(SLC9A3):c.2117A>G (p.Gln706Arg)

Genes: SLC9A3 (solute carrier family 9 member A3), SLC9A3-AS1 (SLC9A3 antisense RNA 1; plus strand). Cytogenetic location: 5p15.33.
Variant type: single nucleotide variant.
Coding change: c.2117A>G on transcript NM_004174.4 (MANE Select); coding-DNA position 2117, A replaced by G.
Protein change: p.Gln706Arg; replaces glutamine 706 with arginine.
Molecular consequence: missense variant.
Genome position (GRCh38, 1-based): chr5:476,043, T>C on the plus strand (A>G on the coding strand, the complement: SLC9A3 is on the minus strand). VCF-style: chr5-476043-T-C. GRCh37 (hg19) VCF-style: chr5-476158-T-C.
Other names: c.2090A>G, p.Gln697Arg (NM_001284351.3); short protein forms Q697R, Q706R.
Identifiers: ClinVar variation 2088356 (VCV002088356.4), dbSNP rs199817159, ClinGen allele CA112834418.
Genomic context (GRCh38, chr5:476,043, plus strand): 5'-TCCCAGTCCCAGCGTTCCTGCAGGGCCCCCAGCGCACCTTTCTCCTTGATGGTGAAATTC[T>C]GCGCAGGGCTCTCCATGGGCAGCTTCCCATTGGGGATGCTGCTGTTTCTCTGCGGAGCAA-3'
Protein context (NP_004165.2, residues 696-716): NGKLPMESPA[Gln706Arg]NFTIKEKDLE

ClinVar aggregate classification (germline): Uncertain significance (1 of 4 stars; one submission).

Submission:

Labcorp Genetics (formerly Invitae), Labcorp
Classification: Uncertain significance. Last evaluated: 2022-01-20. Review status: criteria provided, single submitter. Criteria: Invitae Variant Classification Sherloc (09022015). Collection method: clinical testing. Allele origin: germline.
Comment: This variant has not been reported in the literature in individuals affected with SLC9A3-related conditions. In summary, the available evidence is currently insufficient to determine the role of this variant in disease. Therefore, it has been classified as a Variant of Uncertain Significance. Algorithms developed to predict the effect of missense changes on protein structure and function output the following: SIFT: "Not Available"; PolyPhen-2: "Benign"; Align-GVGD: "Not Available". The arginine amino acid residue is found in multiple mammalian species, which suggests that this missense change does not adversely affect protein function. This variant is not present in population databases (gnomAD no frequency). This sequence change replaces glutamine, which is neutral and polar, with arginine, which is basic and polar, at codon 706 of the SLC9A3 protein (p.Gln706Arg).